The following is an entry in ClinVar:

ClinVar aggregate classification (germline): Uncertain significance (1 of 4 stars; one submission).

Conditions:
Atypical hemolytic-uremic syndrome. Identifiers: Orphanet 2134, MedGen C2931788, MONDO:0016244.

Submission:

Genomenon, Inc
Classification: Uncertain significance for Atypical hemolytic-uremic syndrome. Last evaluated: 2025-09-26. Review status: criteria provided, single submitter. Criteria: Genomenon Sequence Variant Interpretation Standards - Updated. Collection method: curation. Allele origin: germline. Affected: yes.
Comment: CFI p.Val397Glu (c.1190T>A) is a missense variant that changes the amino acid at residue 397 from Valine to Glutamic acid. This variant has been observed in at least one proband affected with atypical hemolytic-uremic syndrome (PMID:35619721). It is absent or not present at a significant frequency in gnomAD. In conclusion, we classify CFI p.Val397Glu (c.1190T>A) as a variant of unknown significance.

Literature cited by the submitters: PubMed 35619721.

NM_000204.5(CFI):c.1190T>A (p.Val397Glu)

Gene: CFI (complement factor I; minus strand). Cytogenetic location: 4q25.
Variant type: single nucleotide variant.
Coding change: c.1190T>A on transcript NM_000204.5 (MANE Select); coding-DNA position 1190, T replaced by A.
Protein change: p.Val397Glu; replaces valine 397 with glutamic acid.
Molecular consequence: missense variant. On other transcripts: non-coding transcript variant (2).
Genome position (GRCh38, 1-based): chr4:109,746,461, A>T on the plus strand (T>A on the coding strand, the complement: CFI is on the minus strand). VCF-style: chr4-109746461-A-T. GRCh37 (hg19) VCF-style: chr4-110667617-A-T.
Other names: c.1214T>A, p.Val405Glu (NM_001318057.2, NM_001375278.1, NM_001440988.1); c.1169T>A, p.Val390Glu (NM_001331035.2, NM_001375280.1, NM_001375282.1 and 1 more transcripts); c.1190T>A, p.Val397Glu (NM_001375279.1, NM_001375281.1, NM_001440989.1); c.1133T>A, p.Val378Glu (NM_001375283.1); c.581T>A, p.Val194Glu (NM_001375284.1); c.1211T>A, p.Val404Glu (NM_001440985.1, NM_001440986.1); short protein forms V194E, V378E, V390E, V397E, V404E, V405E.
Identifiers: ClinVar variation 4280557 (VCV004280557.1).